The following is an entry in ClinVar:

NM_022041.4(GAN):c.1630G>A (p.Val544Met)

Gene: GAN (gigaxonin; plus strand). Cytogenetic location: 16q23.2.
Variant type: single nucleotide variant.
Coding change: c.1630G>A on transcript NM_022041.4 (MANE Select); coding-DNA position 1630, G replaced by A.
Protein change: p.Val544Met; replaces valine 544 with methionine.
Molecular consequence: missense variant.
Genome position (GRCh38, 1-based): chr16:81,377,432, G>A. VCF-style: chr16-81377432-G-A. GRCh37 (hg19) VCF-style: chr16-81411037-G-A.
Other names: p.Val544Met; c.991G>A, p.Val331Met (NM_001377486.1); short protein forms V544M, V331M.
Identifiers: ClinVar variation 234569 (VCV000234569.21), dbSNP rs200071978, ClinGen allele CA8191848.

ClinVar aggregate classification (germline): Uncertain significance. Review status: criteria provided, multiple submitters, no conflicts (2 of 4 stars). 6 submissions from 6 submitters: Uncertain significance (6). Last evaluated 2025-07-03.

Conditions:
GAN-related disorder. Also called: GAN-related condition.
Inborn genetic diseases. Identifiers: MedGen C0950123, MeSH D030342.
Giant axonal neuropathy 1 (GAN1). Also called: GIANT AXONAL NEUROPATHY 1, AUTOSOMAL RECESSIVE; GAN-Related Neurodegeneration. Identifiers: Orphanet 643, MedGen C1850386, MONDO:0009749, OMIM 256850.

Allele frequency attached by ClinVar (database versions not stated): ExAC 0.00008; gnomAD 0.00010 and 0.00011; TOPMed 0.00011; gnomAD exomes 0.00014 and 0.00027.
gnomAD v4.1: 416 of 1,613,834 alleles (0.026%); highest among the groups gnomAD compares: Non-Finnish European, 0.031%; no homozygotes.

Submissions (6):

PreventionGenetics, part of Exact Sciences
Classification: Uncertain significance for GAN-related condition. Last evaluated: 2025-07-03. Review status: criteria provided, single submitter. Criteria: ACMG Guidelines, 2015. Collection method: clinical testing. Allele origin: germline.
Comment: The GAN c.1630G>A variant is predicted to result in the amino acid substitution p.Val544Met. To our knowledge, this variant has not been reported in the literature. This variant is reported in 0.028% of alleles in individuals of European (Finnish) descent in gnomAD. At this time, the clinical significance of this variant is uncertain due to the absence of conclusive functional and genetic evidence.

Mayo Clinic Laboratories, Mayo Clinic
Classification: Uncertain significance. Last evaluated: 2025-06-22. Review status: criteria provided, single submitter. Criteria: ACMG Guidelines, 2015. Collection method: clinical testing. Allele origin: germline. Observed: 1 variant allele.
Comment: PM2_supporting

Ambry Genetics
Classification: Uncertain significance for Inborn genetic diseases. Last evaluated: 2024-10-19. Review status: criteria provided, single submitter. Criteria: Ambry Variant Classification Scheme 2023. Collection method: clinical testing. Allele origin: germline.

Labcorp Genetics (formerly Invitae), Labcorp
Classification: Uncertain significance for Giant axonal neuropathy 1. Last evaluated: 2024-10-12. Review status: criteria provided, single submitter. Criteria: Invitae Variant Classification Sherloc (09022015). Collection method: clinical testing. Allele origin: germline.
Comment: This sequence change replaces valine, which is neutral and non-polar, with methionine, which is neutral and non-polar, at codon 544 of the GAN protein (p.Val544Met). This variant is present in population databases (rs200071978, gnomAD 0.03%). This variant has not been reported in the literature in individuals affected with GAN-related conditions. ClinVar contains an entry for this variant (Variation ID: 234569). An algorithm developed to predict the effect of missense changes on protein structure and function (PolyPhen-2) suggests that this variant is likely to be disruptive. In summary, the available evidence is currently insufficient to determine the role of this variant in disease. Therefore, it has been classified as a Variant of Uncertain Significance.

GeneDx
Classification: Uncertain significance. Last evaluated: 2021-07-19. Review status: criteria provided, single submitter. Criteria: GeneDx Variant Classification Process June 2021. Collection method: clinical testing. Allele origin: germline. Affected: yes.
Comment: Missense variants in this gene are often considered pathogenic (Stenson et al., 2014); In silico analysis supports that this missense variant does not alter protein structure/function; Has not been previously published as pathogenic or benign to our knowledge; This variant is associated with the following publications: (PMID: 27535533, 24077912)

Illumina Laboratory Services, Illumina
Classification: Uncertain significance for Giant axonal neuropathy 1. Last evaluated: 2018-01-13. Review status: criteria provided, single submitter. Criteria: ICSL Variant Classification Criteria 13 December 2019. Collection method: clinical testing. Allele origin: germline.